The following is an entry in ClinVar:

NM_002878.4(RAD51D):c.83-3C>T

Genes: RAD51L3-RFFL (RAD51L3-RFFL readthrough; minus strand), RAD51D (RAD51 paralog D; minus strand). Cytogenetic location: 17q12.
Variant type: single nucleotide variant.
Coding change: c.83-3C>T on transcript NM_002878.4 (MANE Select); 3 bases into the intron before coding-DNA position 83, C replaced by T.
Molecular consequence: intron variant.
Genome position (GRCh38, 1-based): chr17:35,119,175, G>A on the plus strand (C>T on the coding strand, the complement: RAD51D is on the minus strand). VCF-style: chr17-35119175-G-A. GRCh37 (hg19) VCF-style: chr17-33446194-G-A.
Other names: c.83-3C>T (NM_133629.3, NM_001142571.2).
Identifiers: ClinVar variation 472624 (VCV000472624.10), dbSNP rs1555570424, ClinGen allele CA658658616.
Genomic context (GRCh38, chr17:35,119,175, plus strand): 5'-TAAGACAAGCCACATTTCTGAGCTACCTCTTCCAGGTCTGCAGAAACCAGGTCCACCACT[G>A]AAAACAAAACACGTATAGCGGATTGGCAGAGAGGACTGGGGCCTCCCACACTTGGTTTTT-3'

ClinVar aggregate classification (germline): Uncertain significance. Review status: criteria provided, multiple submitters, no conflicts (2 of 4 stars). 2 submissions from 2 submitters: Uncertain significance (2). Last evaluated 2021-08-31.

Conditions:
Hereditary cancer-predisposing syndrome. Also called: Neoplastic Syndromes, Hereditary; Tumor predisposition; Hereditary Cancer Syndrome; Hereditary neoplastic syndrome. Identifiers: Orphanet 140162, MedGen C0027672, MeSH D009386, MONDO:0015356.
Breast-ovarian cancer, familial, susceptibility to, 4. Identifiers: Orphanet 145, MedGen C3280345, MONDO:0013669, OMIM 614291.

Submissions (2):

Labcorp Genetics (formerly Invitae), Labcorp
Classification: Uncertain significance for Breast-ovarian cancer, familial, susceptibility to, 4. Last evaluated: 2021-08-31. Review status: criteria provided, single submitter. Criteria: Invitae Variant Classification Sherloc (09022015). Collection method: clinical testing. Allele origin: germline.
Comment: This sequence change falls in intron 1 of the RAD51D gene. It does not directly change the encoded amino acid sequence of the RAD51D protein. It affects a nucleotide within the consensus splice site of the intron. This variant is not present in population databases (ExAC no frequency). This variant has not been reported in the literature in individuals affected with RAD51D-related conditions. ClinVar contains an entry for this variant (Variation ID: 472624). Variants that disrupt the consensus splice site are a relatively common cause of aberrant splicing (PMID: 17576681, 9536098). Algorithms developed to predict the effect of sequence changes on RNA splicing suggest that this variant is not likely to affect RNA splicing. In summary, the available evidence is currently insufficient to determine the role of this variant in disease. Therefore, it has been classified as a Variant of Uncertain Significance.

Ambry Genetics
Classification: Uncertain significance for Hereditary cancer-predisposing syndrome. Last evaluated: 2016-05-12. Review status: criteria provided, single submitter. Criteria: Ambry Variant Classification Scheme 2023. Collection method: clinical testing. Allele origin: germline.
Comment: The c.83-3C>T intronic variant results from a C to T substitution 3 nucleotides upstream from coding exon 2 in the RAD51D gene. This variant was not reported in population based cohorts in the following databases: Database of Single Nucleotide Polymorphisms (dbSNP), NHLBI Exome Sequencing Project (ESP), and 1000 Genomes Project. In the ESP, this variant was not observed in 6503 samples (13006 alleles) with coverage at this position. To date, this alteration has been detected with an allele frequency of approximately 0.001% (greater than 175000 alleles tested) in our clinical cohort. This nucleotide position is highly conserved in available vertebrate species. Since supporting evidence is limited at this time, the clinical significance of this alteration remains unclear.

Literature cited by the submitters: PubMed 17576681 (cited by Labcorp Genetics (formerly Invitae), Labcorp); PubMed 9536098 (cited by Labcorp Genetics (formerly Invitae), Labcorp).